The following is an entry in ClinVar:

ClinVar aggregate classification (germline): Uncertain significance (1 of 4 stars; one submission).

Conditions:
Hereditary cancer-predisposing syndrome. Also called: Neoplastic Syndromes, Hereditary; Tumor predisposition; Hereditary Cancer Syndrome; Hereditary neoplastic syndrome. Identifiers: Orphanet 140162, MedGen C0027672, MeSH D009386, MONDO:0015356.

Submission:

Ambry Genetics
Classification: Uncertain significance for Hereditary cancer-predisposing syndrome. Last evaluated: 2016-09-13. Review status: criteria provided, single submitter. Criteria: Ambry Variant Classification Scheme 2023. Collection method: clinical testing. Allele origin: germline.
Comment: The p.D421V variant (also known as c.1262A>T), located in coding exon 7 of the DICER1 gene, results from an A to T substitution at nucleotide position 1262. The aspartic acid at codon 421 is replaced by valine, an amino acid with highly dissimilar properties. This variant was not reported in population based cohorts in the following databases: Database of Single Nucleotide Polymorphisms (dbSNP), NHLBI Exome Sequencing Project (ESP), and 1000 Genomes Project. In the ESP, this variant was not observed in 6503 samples (13006 alleles) with coverage at this position. To date, this alteration has been detected with an allele frequency of approximately 0.2% (greater than 500 alleles tested) in our clinical cohort. This amino acid position is highly conserved in available vertebrate species. In addition, the in silico prediction for this alteration is inconclusive. Since supporting evidence is limited at this time, the clinical significance of this alteration remains unclear.

NM_177438.3(DICER1):c.1262A>T (p.Asp421Val)

Gene: DICER1 (dicer 1, ribonuclease III; minus strand). Cytogenetic location: 14q32.13.
Variant type: single nucleotide variant.
Coding change: c.1262A>T on transcript NM_177438.3 (MANE Select); coding-DNA position 1262, A replaced by T.
Protein change: p.Asp421Val; replaces aspartic acid 421 with valine.
Molecular consequence: missense variant. On other transcripts: 5 prime UTR variant (1), non-coding transcript variant (6).
Genome position (GRCh38, 1-based): chr14:95,124,310, T>A on the plus strand (A>T on the coding strand, the complement: DICER1 is on the minus strand). VCF-style: chr14-95124310-T-A. GRCh37 (hg19) VCF-style: chr14-95590647-T-A.
Other names: c.1262A>T, p.Asp421Val (NM_001195573.1, NM_001271282.3, NM_001291628.2 and 15 more transcripts); c.980A>T, p.Asp327Val (NM_001395686.1); c.857A>T, p.Asp286Val (NM_001395687.1, NM_001395688.1, NM_001395689.1 and 3 more transcripts); c.695A>T, p.Asp232Val (NM_001395691.1); c.-307A>T (NM_001395697.1); short protein forms D286V, D327V, D421V, D232V.
Identifiers: ClinVar variation 1763402 (VCV001763402.2), dbSNP rs764367623, ClinGen allele CA390886440.